The following is an entry in ClinVar:

NM_000257.4(MYH7):c.2214C>G (p.Ser738Arg)

Gene: MYH7 (myosin heavy chain 7; minus strand). Cytogenetic location: 14q11.2.
Variant type: single nucleotide variant.
Coding change: c.2214C>G on transcript NM_000257.4 (MANE Select); coding-DNA position 2214, C replaced by G.
Protein change: p.Ser738Arg; replaces serine 738 with arginine.
Molecular consequence: missense variant.
Genome position (GRCh38, 1-based): chr14:23,425,767, G>C on the plus strand (C>G on the coding strand, the complement: MYH7 is on the minus strand). VCF-style: chr14-23425767-G-C. GRCh37 (hg19) VCF-style: chr14-23894976-G-C.
Other names: short protein forms S738R.
Identifiers: ClinVar variation 1016479 (VCV001016479.10), dbSNP rs1892670575, ClinGen allele CA389048896.
Genomic context (GRCh38, chr14:23,425,767, plus strand): 5'-AAACTTGTACTGGTTGTGATCAATGTCCAGGGAGCTGAGCAGCTTCTCTGCCCCCTTCCT[G>C]CTATCAATGAACTGTCCCTCAGGGATGGCCGCTGGGTTCAGGATGCGATACCTGAGGAGG-3'
Protein context (NP_000248.2, residues 728-748): AAIPEGQFID[Ser738Arg]RKGAEKLLSS

ClinVar aggregate classification (germline): Conflicting classifications of pathogenicity. Review status: criteria provided, conflicting classifications (1 of 4 stars). 2 submissions from 2 submitters: Likely pathogenic (1); Uncertain significance (1). Last evaluated 2020-09-03.

Conditions:
Hypertrophic cardiomyopathy. Also called: HYPERTROPHIC MYOCARDIOPATHY. Identifiers: Orphanet 217569, MedGen C0007194, MeSH D002312, MONDO:0005045, HP:0001639.

Submissions (2):

Labcorp Genetics (formerly Invitae), Labcorp
Classification: Uncertain significance for Hypertrophic cardiomyopathy. Last evaluated: 2020-09-03. Review status: criteria provided, single submitter. Criteria: Invitae Variant Classification Sherloc (09022015). Collection method: clinical testing. Allele origin: germline.
Comment: This sequence change replaces serine with arginine at codon 738 of the MYH7 protein (p.Ser738Arg). The serine residue is highly conserved and there is a moderate physicochemical difference between serine and arginine. This variant is not present in population databases (ExAC no frequency). This variant has not been reported in the literature in individuals with MYH7-related conditions. Algorithms developed to predict the effect of missense changes on protein structure and function (SIFT, PolyPhen-2, Align-GVGD) all suggest that this variant is likely to be disruptive, but these predictions have not been confirmed by published functional studies and their clinical significance is uncertain. This variant is found within a region of MYH7 between codons 181 and 937 that contains the majority of the myosin head domain. Missense variants in this region have been shown to be significantly overrepresented in individuals with hypertrophic cardiomyopathy (PMID: 27532257). In summary, the available evidence is currently insufficient to determine the role of this variant in disease. Therefore, it has been classified as a Variant of Uncertain Significance.

GeneDx
Classification: Likely pathogenic. Last evaluated: 2020-02-24. Review status: criteria provided, single submitter. Criteria: GeneDx Variant Classification Process June 2021. Collection method: clinical testing. Allele origin: germline. Affected: yes.
Comment: Has not been previously published as pathogenic or benign to our knowledge; Not observed in large population cohorts (Lek et al., 2016); In silico analysis supports that this missense variant has a deleterious effect on protein structure/function; A different missense change at this residue (S738C) has been reported as likely pathogenic at GeneDx in association with HCM

Literature cited by the submitters: PubMed 27532257 (cited by Labcorp Genetics (formerly Invitae), Labcorp).